The following is an entry in ClinVar:

NM_003000.3(SDHB):c.738C>G (p.Ile246Met)

Gene: SDHB (succinate dehydrogenase complex iron sulfur subunit B; minus strand). Cytogenetic location: 1p36.13.
Variant type: single nucleotide variant.
Coding change: c.738C>G on transcript NM_003000.3 (MANE Select); coding-DNA position 738, C replaced by G.
Protein change: p.Ile246Met; replaces isoleucine 246 with methionine.
Molecular consequence: missense variant.
Genome position (GRCh38, 1-based): chr1:17,022,635, G>C on the plus strand (C>G on the coding strand, the complement: SDHB is on the minus strand). VCF-style: chr1-17022635-G-C. GRCh37 (hg19) VCF-style: chr1-17349130-G-C.
Other names: short protein forms I246M.
Identifiers: ClinVar variation 1521827 (VCV001521827.8), dbSNP rs1476198465, ClinGen allele CA338270107.
Genomic context (GRCh38, chr1:17,022,635, plus strand): 5'-GAGGCAGAGCTGAGGGTCACCAGCCCCACGTACCTTAGGACAGGTCCTTGTGCAGTTCAT[G>C]ATGGTGTGGCAGCGGTATAGAGAGAATGGGTCCTGCAGCTTGGCCAGGCGCTCCTCTGTG-3'
Protein context (NP_002991.2, residues 236-256): DPFSLYRCHT[Ile246Met]MNCTRTCPKG

ClinVar aggregate classification (germline): Uncertain significance (1 of 4 stars; one submission).

Conditions:
Pheochromocytoma. Also called: MAX-Related Hereditary Paraganglioma-Pheochromocytoma Syndrome. Identifiers: Orphanet 29072, MedGen C0031511, MONDO:0008233, OMIM 171300, HP:0002666.
Pheochromocytoma/paraganglioma syndrome 4. Also called: PHEOCHROMOCYTOMA, FAMILIAL EXTRAADRENAL; CAROTID BODY TUMORS AND MULTIPLE EXTRAADRENAL PHEOCHROMOCYTOMAS; PARAGANGLIOMA, FAMILIAL MALIGNANT; PARAGANGLIOMAS, HEREDITARY EXTRAADRENAL; Paragangliomas 4; SDHB-Related Hereditary Paraganglioma-Pheochromocytoma Syndrome (Paragangliomas 4). Identifiers: Orphanet 29072, MedGen C1861848, MONDO:0007273, OMIM 115310.
Gastrointestinal stromal tumor. Also called: Gastrointestinal stromal tumor, somatic; Gastrointestinal stroma tumor. Identifiers: Orphanet 44890, MedGen C0238198, MeSH D046152, MONDO:0011719, OMIM 606764, HP:0100723.

Submission:

Labcorp Genetics (formerly Invitae), Labcorp
Classification: Uncertain significance for Gastrointestinal stromal tumor; Pheochromocytoma/paraganglioma syndrome 4; Pheochromocytoma. Last evaluated: 2023-10-22. Review status: criteria provided, single submitter. Criteria: Invitae Variant Classification Sherloc (09022015). Collection method: clinical testing. Allele origin: germline.
Comment: This sequence change replaces isoleucine, which is neutral and non-polar, with methionine, which is neutral and non-polar, at codon 246 of the SDHB protein (p.Ile246Met). This variant is not present in population databases (gnomAD no frequency). This variant has not been reported in the literature in individuals affected with SDHB-related conditions. ClinVar contains an entry for this variant (Variation ID: 1521827). Advanced modeling of protein sequence and biophysical properties (such as structural, functional, and spatial information, amino acid conservation, physicochemical variation, residue mobility, and thermodynamic stability) performed at Invitae indicates that this missense variant is expected to disrupt SDHB protein function. In summary, the available evidence is currently insufficient to determine the role of this variant in disease. Therefore, it has been classified as a Variant of Uncertain Significance.